The following is an entry in ClinVar:

NM_020911.2(PLXNA4):c.1372-87055T>C

Gene: PLXNA4 (plexin A4; minus strand). Cytogenetic location: 7q32.3.
Variant type: single nucleotide variant.
Coding change: c.1372-87055T>C on transcript NM_020911.2 (MANE Select); 87055 bases into the intron before coding-DNA position 1372, T replaced by C.
Molecular consequence: intron variant. On other transcripts: missense variant (1).
Genome position (GRCh38, 1-based): chr7:132,385,277, A>G on the plus strand (T>C on the coding strand, the complement: PLXNA4 is on the minus strand). VCF-style: chr7-132385277-A-G. GRCh37 (hg19) VCF-style: chr7-132070036-A-G.
Other names: c.1390T>C, p.Cys464Arg (NM_001105543.2); c.1372-87055T>C (NM_001393897.1); short protein forms C464R.
Identifiers: ClinVar variation 3036770 (VCV003036770.3), dbSNP rs201937355, ClinGen allele CA4490203.
Genomic context (GRCh38, chr7:132,385,277, plus strand): 5'-GTTCCAGAGTCACTGTTGCTCTGTGGGATCGGGGTCCCGTCTGTAGCTCAAGGGTAGGGC[A>G]GAGGCTGGTACCAGGCATCTGGAAAAGATGAAACCTTAGCAGACTTAGACCATGGTGCAC-3'

ClinVar aggregate classification (germline): Uncertain significance (1 of 4 stars; one submission).

Conditions:
PLXNA4-related disorder. Also called: PLXNA4-related condition.

Allele frequency attached by ClinVar (database versions not stated): ExAC 0.00009; gnomAD 0.00014; TOPMed 0.00024; gnomAD exomes 0.00025.
gnomAD v4.1: 393 of 1,613,608 alleles (0.024%); highest among the groups gnomAD compares: Non-Finnish European, 0.032%; no homozygotes.

Submission:

PreventionGenetics, part of Exact Sciences
Classification: Uncertain significance for PLXNA4-related condition. Last evaluated: 2026-06-24. Review status: criteria provided, single submitter. Criteria: ACMG Guidelines, 2015. Collection method: clinical testing. Allele origin: germline.
Comment: The PLXNA4 c.1390T>C variant is predicted to result in the amino acid substitution p.Cys464Arg. This variant corresponds to a deep intronic position in the primary transcript for this gene (NM_020911.1:c.1372-87055T>C). To our knowledge, this variant has not been reported in the literature. This variant is reported in 0.022% of alleles in individuals of European (Non-Finnish) descent in gnomAD. At this time, the clinical significance of this variant is uncertain due to the absence of conclusive functional and genetic evidence.